The following is an entry in ClinVar:

NM_000381.4(MID1):c.1752G>A (p.Trp584Ter)

Genes: MID1 (midline 1; minus strand), LOC126863207 (BRD4-independent group 4 enhancer GRCh37_chrX:10416979-10418178; plus strand). Cytogenetic location: Xp22.2.
Variant type: single nucleotide variant.
Coding change: c.1752G>A on transcript NM_000381.4 (MANE Select); coding-DNA position 1752, G replaced by A.
Protein change: p.Trp584Ter; replaces tryptophan 584 with a stop codon.
Molecular consequence: nonsense.
Genome position (GRCh38, 1-based): chrX:10,449,620, C>T on the plus strand (G>A on the coding strand, the complement: MID1 is on the minus strand). VCF-style: chrX-10449620-C-T. GRCh37 (hg19) VCF-style: chrX-10417660-C-T.
Other names: c.1752G>A, p.Trp584Ter (NM_001098624.2, NM_001193277.1, NM_001347733.2 and 1 more transcripts); c.1638G>A, p.Trp546Ter (NM_033289.2); short protein forms W584*, W546*.
Identifiers: ClinVar variation 2026427 (VCV002026427.4), dbSNP rs2518959924, ClinGen allele CA412050231.

ClinVar aggregate classification (germline): Pathogenic (1 of 4 stars; one submission).

Submission:

Labcorp Genetics (formerly Invitae), Labcorp
Classification: Pathogenic. Last evaluated: 2022-08-22. Review status: criteria provided, single submitter. Criteria: Invitae Variant Classification Sherloc (09022015). Collection method: clinical testing. Allele origin: germline.
Comment: For these reasons, this variant has been classified as Pathogenic. This variant disrupts a region of the MID1 protein in which other variant(s) (p.His600Profs*12) have been determined to be pathogenic (PMID: 17043407, 32926417; Invitae). This suggests that this is a clinically significant region of the protein, and that variants that disrupt it are likely to be disease-causing. This variant has not been reported in the literature in individuals affected with MID1-related conditions. This variant is not present in population databases (gnomAD no frequency). This sequence change creates a premature translational stop signal (p.Trp584*) in the MID1 gene. While this is not anticipated to result in nonsense mediated decay, it is expected to disrupt the last 84 amino acid(s) of the MID1 protein.

Literature cited by the submitters: PubMed 17043407; PubMed 32926417.